The following is an entry in ClinVar:

ClinVar aggregate classification (germline): Uncertain significance. Review status: criteria provided, multiple submitters, no conflicts (2 of 4 stars). 3 submissions from 3 submitters: Uncertain significance (2). 1 of the submissions does not count toward it. Last evaluated 2024-01-25.

Conditions:
Pyruvate dehydrogenase E1-beta deficiency (PDHBD). Identifiers: Orphanet 765, MedGen C3279841, MONDO:0013580, OMIM 614111, Orphanet 255138.
Pyruvate dehydrogenase phosphatase deficiency (PDHPD). Also called: LACTIC ACIDEMIA WITH PYRUVATE DEHYDROGENASE PHOSPHATASE DEFICIENCY. Identifiers: Orphanet 79246, MedGen C1837429, MONDO:0012120, OMIM 608782.

Allele frequency attached by ClinVar (database versions not stated): ExAC 0.00002; gnomAD exomes 0.00002; gnomAD 0.00006 and 0.00011; TOPMed 0.00013; 1000 Genomes Project 30x 0.00031; 1000 Genomes Project 0.00040.
gnomAD v4.1: 54 of 1,612,408 alleles (0.0033%); highest among the groups gnomAD compares: African/African-American, 0.047%; 1 homozygote.

Submissions (3):

GeneDx
Classification: Uncertain significance. Last evaluated: 2024-01-25. Review status: criteria provided, single submitter. Criteria: GeneDx Variant Classification Process June 2021. Collection method: clinical testing. Allele origin: germline. Affected: yes.
Comment: In silico analysis supports that this missense variant does not alter protein structure/function; Has not been previously published as pathogenic or benign to our knowledge

Labcorp Genetics (formerly Invitae), Labcorp
Classification: Uncertain significance for Pyruvate dehydrogenase E1-beta deficiency. Last evaluated: 2023-12-11. Review status: criteria provided, single submitter. Criteria: Invitae Variant Classification Sherloc (09022015). Collection method: clinical testing. Allele origin: germline.
Comment: This sequence change replaces arginine, which is basic and polar, with glutamine, which is neutral and polar, at codon 13 of the PDHB protein (p.Arg13Gln). This variant is present in population databases (rs202185395, gnomAD 0.02%). This variant has not been reported in the literature in individuals affected with PDHB-related conditions. ClinVar contains an entry for this variant (Variation ID: 1036385). Algorithms developed to predict the effect of missense changes on protein structure and function output the following: SIFT: "Not Available"; PolyPhen-2: "Benign"; Align-GVGD: "Not Available". The glutamine amino acid residue is found in multiple mammalian species, which suggests that this missense change does not adversely affect protein function. In summary, the available evidence is currently insufficient to determine the role of this variant in disease. Therefore, it has been classified as a Variant of Uncertain Significance.

Natera, Inc.
Classification: Uncertain significance for Pyruvate dehydrogenase phosphatase deficiency. Last evaluated: 2020-06-11. Review status: no assertion criteria provided. Collection method: clinical testing. Allele origin: germline. Not counted in ClinVar's aggregate classification.

NM_000925.4(PDHB):c.38G>A (p.Arg13Gln)

Genes: PDHB (pyruvate dehydrogenase E1 subunit beta; minus strand), LOC129936949 (ATAC-STARR-seq lymphoblastoid active region 20012; plus strand). Cytogenetic location: 3p14.3.
Variant type: single nucleotide variant.
Coding change: c.38G>A on transcript NM_000925.4 (MANE Select); coding-DNA position 38, G replaced by A.
Protein change: p.Arg13Gln; replaces arginine 13 with glutamine.
Molecular consequence: missense variant. On other transcripts: non-coding transcript variant (1).
Genome position (GRCh38, 1-based): chr3:58,433,772, C>T on the plus strand (G>A on the coding strand, the complement: PDHB is on the minus strand). VCF-style: chr3-58433772-C-T. GRCh37 (hg19) VCF-style: chr3-58419499-C-T.
Other names: c.38G>A, p.Arg13Gln (NM_001173468.2, NM_001315536.2); c.38G>A (NM_000925.3); short protein forms R13Q.
Identifiers: ClinVar variation 1036385 (VCV001036385.6), dbSNP rs202185395, ClinGen allele CA2471697.